The following is an entry in ClinVar:

NM_014491.4(FOXP2):c.1183-23_1185dup

Gene: FOXP2 (forkhead box P2; plus strand). Cytogenetic location: 7q31.1.
Variant type: Duplication.
Coding change: c.1183-23_1185dup on transcript NM_014491.4 (MANE Select); 23 bases into the intron before coding-DNA position 1183 through coding-DNA position 1185, 26 bases duplicated (CTGATCTCACTCTTTCTTAACAGCTT).
Molecular consequence: splice acceptor variant.
Genome position (GRCh38, 1-based): chr7:114,653,903-114,653,928, CTGATCTCACTCTTTCTTAACAGCTT duplicated; duplicating any 26 consecutive bases within chr7:114,653,899-114,653,928 gives the same sequence; the c. name uses the placement nearest the transcript's 3' end. VCF-style (leftmost placement, unchanged base first): chr7-114653898-C-CGCTTCTGATCTCACTCTTTCTTAACA. GRCh37 (hg19) VCF-style: chr7-114293953-C-CGCTTCTGATCTCACTCTTTCTTAACA.
Other names: c.1258-23_1260dup (NM_148898.4, NM_001172767.2); c.1234-23_1236dup (NM_148900.4); c.1180-23_1182dup (NM_001172766.3); c.1183-23_1185dup (NM_148899.3).
Identifiers: ClinVar variation 3372843 (VCV003372843.1).

ClinVar aggregate classification (germline): Uncertain significance (1 of 4 stars; one submission).

Submission:

GeneDx
Classification: Uncertain significance. Last evaluated: 2024-05-01. Review status: criteria provided, single submitter. Criteria: GeneDx Variant Classification Process June 2021. Collection method: clinical testing. Allele origin: germline. Affected: yes.
Comment: Not observed at significant frequency in large population cohorts (gnomAD); In silico analysis supports a deleterious effect on splicing; Has not been previously published as pathogenic or benign to our knowledge